The following is an entry in ClinVar:

NM_001035.3(RYR2):c.1822C>G (p.His608Asp)

Gene: RYR2 (ryanodine receptor 2; plus strand). Cytogenetic location: 1q43.
Variant type: single nucleotide variant.
Coding change: c.1822C>G on transcript NM_001035.3 (MANE Select); coding-DNA position 1822, C replaced by G.
Protein change: p.His608Asp; replaces histidine 608 with aspartic acid.
Molecular consequence: missense variant.
Genome position (GRCh38, 1-based): chr1:237,491,919, C>G. VCF-style: chr1-237491919-C-G. GRCh37 (hg19) VCF-style: chr1-237655219-C-G.
Other names: short protein forms H608D.
Identifiers: ClinVar variation 919660 (VCV000919660.5), dbSNP rs727504718, ClinGen allele CA345388383.

ClinVar aggregate classification (germline): Uncertain significance (1 of 4 stars; one submission).

Conditions:
Cardiomyopathy (CMYO). Also called: Cardiomyopathies. Identifiers: Orphanet 167848, MedGen C0878544, MONDO:0004994, HP:0001638. Inheritance: Various modes of inheritance.

Allele frequency attached by ClinVar (database versions not stated): TOPMed 0.00001.

Submission:

Color Diagnostics, LLC DBA Color Health
Classification: Uncertain significance for Cardiomyopathy. Last evaluated: 2023-12-04. Review status: criteria provided, single submitter. Criteria: ACMG Guidelines, 2015. Collection method: clinical testing. Allele origin: germline.
Comment: Variant of Uncertain Significance due to insufficient evidence: This missense variant replaces histidine with aspartic acid at codon 608 of the RYR2 protein. Computational prediction tools and conservation analyses are inconclusive regarding the impact of this variant on the protein function. Computational splicing tools suggest that this variant may not impact RNA splicing. To our knowledge, functional assays have not been performed for this variant nor has this variant been reported in individuals affected with cardiovascular disorders in the literature. This variant is rare in the general population and has been identified in 0/277264 chromosomes by the Genome Aggregation Database (gnomAD). Available evidence is insufficient to determine the role of this variant in disease conclusively.